The following is an entry in ClinVar:

NM_001206999.2(CIT):c.881A>G (p.Tyr294Cys)

Gene: CIT (citron rho-interacting serine/threonine kinase; minus strand). Cytogenetic location: 12q24.23.
Variant type: single nucleotide variant.
Coding change: c.881A>G on transcript NM_001206999.2 (MANE Select); coding-DNA position 881, A replaced by G.
Protein change: p.Tyr294Cys; replaces tyrosine 294 with cysteine.
Molecular consequence: missense variant.
Genome position (GRCh38, 1-based): chr12:119,825,241, T>C on the plus strand (A>G on the coding strand, the complement: CIT is on the minus strand). VCF-style: chr12-119825241-T-C. GRCh37 (hg19) VCF-style: chr12-120263045-T-C.
Other names: c.881A>G, p.Tyr294Cys (NM_007174.3); short protein forms Y294C.
Identifiers: ClinVar variation 1306503 (VCV001306503.3), dbSNP rs200024332, ClinGen allele CA6822267.

ClinVar aggregate classification (germline): Uncertain significance. Review status: criteria provided, multiple submitters, no conflicts (2 of 4 stars). 2 submissions from 2 submitters: Uncertain significance (2). Last evaluated 2024-01-19.

Conditions:
Inborn genetic diseases. Identifiers: MedGen C0950123, MeSH D030342.

Allele frequency attached by ClinVar (database versions not stated): gnomAD 0.00001; gnomAD exomes 0.00001 and 0.00003; ExAC 0.00002; TOPMed 0.00002; ESP Exome Variant Server 0.00008; 1000 Genomes Project 30x 0.00016; 1000 Genomes Project 0.00020.
gnomAD v4.1: 23 of 1,614,166 alleles (0.0014%); highest among the groups gnomAD compares: Non-Finnish European, 0.0017%; no homozygotes.

Submissions (2):

Ambry Genetics
Classification: Uncertain significance for Inborn genetic diseases. Last evaluated: 2024-01-19. Review status: criteria provided, single submitter. Criteria: Ambry Variant Classification Scheme 2023. Collection method: clinical testing. Allele origin: germline.

GeneDx
Classification: Uncertain significance. Last evaluated: 2019-06-17. Review status: criteria provided, single submitter. Criteria: GeneDx Variant Classification Process June 2021. Collection method: clinical testing. Allele origin: germline. Affected: yes.
Comment: Not observed in large population cohorts (Lek et al., 2016); In silico analysis, which includes protein predictors and evolutionary conservation, supports a deleterious effect; Has not been previously published as pathogenic or benign to our knowledge